The following is an entry in ClinVar:

NM_000202.8(IDS):c.1418del (p.Pro473fs)

Gene: IDS (iduronate 2-sulfatase; minus strand). Cytogenetic location: Xq28.
Variant type: Deletion.
Coding change: c.1418del on transcript NM_000202.8 (MANE Select); coding-DNA position 1418, one base deleted (C; older notation c.1418delC).
Protein change: p.Pro473fs; shifts the reading frame from proline 473.
Molecular consequence: frameshift variant.
Genome position (GRCh38, 1-based): chrX:149,482,981, G deleted on the plus strand (C on the coding strand, the reverse complement: IDS is on the minus strand); the first of 3 consecutive G bases (chrX:149,482,981-149,482,983); deleting any one gives the same sequence. VCF-style (leftmost placement, unchanged base first): chrX-149482980-AG-A. GRCh37 (hg19) VCF-style: chrX-148564511-AG-A.
Other names: c.1148del, p.Pro383fs (NM_001166550.4); short protein forms P383fs, P473fs.
Identifiers: ClinVar variation 3256051 (VCV003256051.2).

ClinVar aggregate classification (germline): Pathogenic (1 of 4 stars; one submission).

Conditions:
Mucopolysaccharidosis, MPS-II (MPS2). Also called: Hunter Syndrome; IDURONATE 2-SULFATASE DEFICIENCY; Mucopolysaccharidosis Type II; Mucopolysaccharidosis type 2; Attenuated MPS (subtype; formerly known as mild MPS II); Severe MPS II. Identifiers: Orphanet 580, Orphanet 79388, MedGen C0026705, MONDO:0010674, OMIM 309900.

Submission:

Laboratory of Diagnosis and Therapy of Lysosomal Disorders, University of Padova
Classification: Pathogenic for Mucopolysaccharidosis, MPS-II. Last evaluated: 2024-06-07. Review status: criteria provided, single submitter. Criteria: ACMG Guidelines, 2015. Collection method: literature only. Allele origin: germline. Affected: yes. Observed: 1 variant allele.
Comment: Null variant (PVS1_Strong), Absent from controls (or at low frequency) in gnomAD database (PM2_Moderate), Patient’s phenotype or family history highly specific for the disease (PP4_Strong)

Classification method: ACMG Guidelines [PMID:25741868] with modifications

Literature cited by the submitters: PubMed 23430803.